The following is an entry in ClinVar:

ClinVar aggregate classification (germline): Benign. Review status: criteria provided, multiple submitters, no conflicts (2 of 4 stars). 2 submissions from 2 submitters: Benign (2). Last evaluated 2026-06-01.

Allele frequency attached by ClinVar (database versions not stated): gnomAD exomes 0.00014 and 0.00064; gnomAD 0.00040 and 0.00043; ESP Exome Variant Server 0.00046; ExAC 0.00049; TOPMed 0.00059.
gnomAD v4.1: 263 of 1,611,028 alleles (0.016%); highest among the groups gnomAD compares: Admixed American, 0.31%; no homozygotes.

Submissions (2):

CeGaT Center for Human Genetics Tuebingen
Classification: Benign. Last evaluated: 2026-06-01. Review status: criteria provided, single submitter. Criteria: CeGaT Center For Human Genetics Tuebingen Variant Classification Criteria Version 2. Collection method: clinical testing. Allele origin: germline. Affected: yes. Observed: 1 variant allele.
Comment: CLIP2: BP4, BS1, BS2

Labcorp Genetics (formerly Invitae), Labcorp
Classification: Benign. Last evaluated: 2017-05-27. Review status: criteria provided, single submitter. Criteria: Invitae Variant Classification Sherloc (09022015). Collection method: clinical testing. Allele origin: germline.

NM_003388.5(CLIP2):c.505C>T (p.Leu169=)

Gene: CLIP2 (CAP-Gly domain containing linker protein 2; plus strand). Cytogenetic location: 7q11.23.
Variant type: single nucleotide variant.
Coding change: c.505C>T on transcript NM_003388.5 (MANE Select); coding-DNA position 505, C replaced by T.
Protein change: p.Leu169=; no amino-acid change (leucine 169 retained).
Molecular consequence: synonymous variant.
Genome position (GRCh38, 1-based): chr7:74,338,831, C>T. VCF-style: chr7-74338831-C-T. GRCh37 (hg19) VCF-style: chr7-73753161-C-T.
Other names: c.505C>T, p.Leu169= (NM_032421.3).
Identifiers: ClinVar variation 773890 (VCV000773890.5), dbSNP rs142629570, ClinGen allele CA4295465.